The following is an entry in ClinVar:

ClinVar aggregate classification (germline): Uncertain significance (1 of 4 stars; one submission).

Submission:

Dasa
Classification: Uncertain significance. Last evaluated: 2025-06-27. Review status: criteria provided, single submitter. Criteria: DASA Assertion Criteria. Collection method: clinical testing. Allele origin: germline.
Comment: NM_001101421.4(MYO1H):c.2130del (p.Lys710Asnfs*4) is a frameshift variant in MYO1H predicted to alter the reading frame and introduce a premature termination codon. This variant is rare in population databases. The currently available literature and clinical evidence are not sufficient to establish a definitive association between this variant and the reported condition. Therefore, this variant is classified as a variant of uncertain significance.

NM_001101421.4(MYO1H):c.2130del (p.Lys710fs)

Gene: MYO1H (myosin IH; plus strand). Cytogenetic location: 12q24.11.
Variant type: Deletion.
Coding change: c.2130del on transcript NM_001101421.4 (MANE Select); coding-DNA position 2130, one base deleted (A; older notation c.2130delA).
Protein change: p.Lys710fs; shifts the reading frame from lysine 710.
Molecular consequence: frameshift variant.
Genome position (GRCh38, 1-based): chr12:109,435,103, A deleted; the last of 3 consecutive A bases (chr12:109,435,101-109,435,103); deleting any one gives the same sequence. VCF-style (leftmost placement, unchanged base first): chr12-109435100-TA-T. GRCh37 (hg19) VCF-style: chr12-109872905-TA-T.
Other names: short protein forms K710fs.
Identifiers: ClinVar variation 4886279 (VCV004886279.2).
Genomic context (GRCh38, chr12:109,435,100, plus strand): 5'-CAAAATATTCATTCGTTTCCCCAGAACTCTGTTTGCTACCGAAGATGCCTTTGAATTTAG[TA>T]AACATCAACTAGGTATGATTTCTTTTTCTGTCCCGATTTCAATAGAATATGAAATGAACA-3'